The following is an entry in ClinVar:

NM_001267550.2(TTN):c.56524T>C (p.Cys18842Arg)

Genes: TTN-AS1 (TTN antisense RNA 1; plus strand), TTN (titin; minus strand). Cytogenetic location: 2q31.2.
Variant type: single nucleotide variant.
Coding change: c.56524T>C on transcript NM_001267550.2 (MANE Select); coding-DNA position 56524, T replaced by C.
Protein change: p.Cys18842Arg; replaces cysteine 18842 with arginine.
Molecular consequence: missense variant.
Genome position (GRCh38, 1-based): chr2:178,599,269, A>G on the plus strand (T>C on the coding strand, the complement: TTN is on the minus strand). VCF-style: chr2-178599269-A-G. GRCh37 (hg19) VCF-style: chr2-179463996-A-G.
Other names: c.51601T>C, p.Cys17201Arg (NM_001256850.1); c.29329T>C, p.Cys9777Arg (NM_003319.4); c.29704T>C, p.Cys9902Arg (NM_133432.3); c.29905T>C, p.Cys9969Arg (NM_133437.4); c.48820T>C (NM_133378.4); short protein forms C18842R, C9777R, C17201R, C9969R, C9902R.
Identifiers: ClinVar variation 167777 (VCV000167777.9), dbSNP rs371437953, ClinGen allele CA235096.

ClinVar aggregate classification (germline): Uncertain significance. Review status: criteria provided, multiple submitters, no conflicts (2 of 4 stars). 4 submissions from 4 submitters: Uncertain significance (4). Last evaluated 2026-06-01.

Conditions:
Hypertrophic cardiomyopathy 9. Also called: Familial hypertrophic cardiomyopathy 9. Identifiers: MedGen C1861065, MONDO:0013412, OMIM 613765.
Dilated cardiomyopathy 1G (CMD1G). Identifiers: Orphanet 154, MedGen C1858763, MONDO:0011400, OMIM 604145.
Myopathy, myofibrillar, 9, with early respiratory failure (MFM9). Also called: Hereditary myopathy with early respiratory failure; MYOPATHY, PROXIMAL, WITH EARLY RESPIRATORY MUSCLE INVOLVEMENT; EDSTROM MYOPATHY; Myopathy, distal, with early respiratory failure, autosomal dominant. Identifiers: Orphanet 178464, Orphanet 34521, MedGen C1863599, MONDO:0011362, OMIM 603689.
Autosomal recessive limb-girdle muscular dystrophy type 2J (LGMDR10). Also called: Limb-girdle muscular dystrophy, type 2J; MUSCULAR DYSTROPHY, LIMB-GIRDLE, AUTOSOMAL RECESSIVE 10. Identifiers: Orphanet 140922, MedGen C1837342, MONDO:0012127, OMIM 608807.
Tibial muscular dystrophy (TMD). Also called: UDD MYOPATHY; Tibial muscular dystrophy, tardive; Udd Distal Myopathy – Tibial Muscular Dystrophy. Identifiers: Orphanet 609, MedGen C1838244, MONDO:0010870, OMIM 600334.
Early-onset myopathy with fatal cardiomyopathy (CMYO5). Also called: CONGENITAL MYOPATHY 5 WITH CARDIOMYOPATHY; Salih Myopathy. Identifiers: Orphanet 289377, MedGen C2673677, MONDO:0012714, OMIM 611705. Disease mechanism: loss of function.

Allele frequency attached by ClinVar (database versions not stated): TOPMed below 0.00001; gnomAD 0.00001; gnomAD exomes 0.00001; ESP Exome Variant Server 0.00008.
gnomAD v4.1: 3 of 1,584,790 alleles (0.00019%); highest among the groups gnomAD compares: Non-Finnish European, 0.00026%; no homozygotes.

Submissions (4):

CeGaT Center for Human Genetics Tuebingen
Classification: Uncertain significance. Last evaluated: 2026-06-01. Review status: criteria provided, single submitter. Criteria: CeGaT Center For Human Genetics Tuebingen Variant Classification Criteria Version 2. Collection method: clinical testing. Allele origin: germline. Affected: yes. Observed: 1 variant allele.
Comment: TTN: PM2

Revvity Omics, Revvity
Classification: Uncertain significance. Last evaluated: 2024-12-13. Review status: criteria provided, single submitter. Criteria: ACMG Guidelines, 2015. Collection method: clinical testing. Allele origin: germline.

Fulgent Genetics
Classification: Uncertain significance for Tibial muscular dystrophy; Myopathy, myofibrillar, 9, with early respiratory failure; Dilated cardiomyopathy 1G; Autosomal recessive limb-girdle muscular dystrophy type 2J; Early-onset myopathy with fatal cardiomyopathy; Hypertrophic cardiomyopathy 9. Last evaluated: 2022-02-15. Review status: criteria provided, single submitter. Criteria: ACMG Guidelines, 2015. Collection method: clinical testing. Allele origin: unknown.

Eurofins Ntd Llc (ga)
Classification: Uncertain significance. Last evaluated: 2018-05-10. Review status: criteria provided, single submitter. Criteria: EGL ClinVar v180209 classification definitions. Collection method: clinical testing. Allele origin: germline. Observed: 2 variant alleles, 2 heterozygotes.